The following is an entry in ClinVar:

ClinVar aggregate classification (germline): Uncertain significance. Review status: criteria provided, multiple submitters, no conflicts (2 of 4 stars). 2 submissions from 2 submitters: Uncertain significance (2). Last evaluated 2022-01-05.

Conditions:
Hereditary cancer-predisposing syndrome. Also called: Tumor predisposition; Hereditary neoplastic syndrome; Neoplastic Syndromes, Hereditary; Hereditary Cancer Syndrome. Identifiers: Orphanet 140162, MedGen C0027672, MeSH D009386, MONDO:0015356.
Multiple endocrine neoplasia type 4. Also called: MULTIPLE ENDOCRINE NEOPLASIA, TYPE IV. Identifiers: Orphanet 276152, MedGen C1970712, MONDO:0012552, OMIM 610755.

Allele frequency attached by ClinVar (database versions not stated): gnomAD exomes below 0.00001.

Submissions (2):

Labcorp Genetics (formerly Invitae), Labcorp
Classification: Uncertain significance for Multiple endocrine neoplasia type 4. Last evaluated: 2022-01-05. Review status: criteria provided, single submitter. Criteria: Invitae Variant Classification Sherloc (09022015). Collection method: clinical testing. Allele origin: germline.
Comment: In summary, the available evidence is currently insufficient to determine the role of this variant in disease. Therefore, it has been classified as a Variant of Uncertain Significance. Algorithms developed to predict the effect of missense changes on protein structure and function (SIFT, PolyPhen-2, Align-GVGD) all suggest that this variant is likely to be disruptive. ClinVar contains an entry for this variant (Variation ID: 938347). This variant has not been reported in the literature in individuals affected with CDKN1B-related conditions. This variant is not present in population databases (gnomAD no frequency). This sequence change replaces cysteine, which is neutral and slightly polar, with tyrosine, which is neutral and polar, at codon 29 of the CDKN1B protein (p.Cys29Tyr).

Ambry Genetics
Classification: Uncertain significance for Hereditary cancer-predisposing syndrome. Last evaluated: 2021-03-17. Review status: criteria provided, single submitter. Criteria: Ambry Variant Classification Scheme 2023. Collection method: clinical testing. Allele origin: germline.
Comment: The p.C29Y variant (also known as c.86G>A), located in coding exon 1 of the CDKN1B gene, results from a G to A substitution at nucleotide position 86. The cysteine at codon 29 is replaced by tyrosine, an amino acid with highly dissimilar properties. This amino acid position is highly conserved in available vertebrate species. In addition, this alteration is predicted to be deleterious by in silico analysis. Since supporting evidence is limited at this time, the clinical significance of this alteration remains unclear.

NM_004064.5(CDKN1B):c.86G>A (p.Cys29Tyr)

Gene: CDKN1B (cyclin dependent kinase inhibitor 1B; plus strand). Cytogenetic location: 12p13.1.
Variant type: single nucleotide variant.
Coding change: c.86G>A on transcript NM_004064.5 (MANE Select); coding-DNA position 86, G replaced by A.
Protein change: p.Cys29Tyr; replaces cysteine 29 with tyrosine.
Molecular consequence: missense variant.
Genome position (GRCh38, 1-based): chr12:12,717,925, G>A. VCF-style: chr12-12717925-G-A. GRCh37 (hg19) VCF-style: chr12-12870859-G-A.
Other names: short protein forms C29Y.
Identifiers: ClinVar variation 938347 (VCV000938347.12), dbSNP rs1946487948, ClinGen allele CA383968429.